The following is an entry in ClinVar:

ClinVar aggregate classification (germline): Uncertain significance (1 of 4 stars; one submission).

gnomAD v4.1: 3 of 1,614,028 alleles (0.00019%); highest among the groups gnomAD compares: East Asian, 0.0022%; no homozygotes.

Submission:

Dasa
Classification: Uncertain significance. Last evaluated: 2025-09-02. Review status: criteria provided, single submitter. Criteria: DASA Assertion Criteria. Collection method: clinical testing. Allele origin: germline.
Comment: NM_000208.4(INSR):c.3227C>T (p.Ser1076Leu) is a missense variant that results in the substitution of serine with leucine. This variant is rare in population databases. Computational prediction algorithms are consistent with a deleterious effect. The currently available literature and clinical evidence are not sufficient to establish a definitive association between this variant and the reported condition. Therefore, this variant is classified as a variant of uncertain significance.

NM_000208.4(INSR):c.3227C>T (p.Ser1076Leu)

Gene: INSR (insulin receptor; minus strand). Cytogenetic location: 19p13.2.
Variant type: single nucleotide variant.
Coding change: c.3227C>T on transcript NM_000208.4 (MANE Select); coding-DNA position 3227, C replaced by T.
Protein change: p.Ser1076Leu; replaces serine 1076 with leucine.
Molecular consequence: missense variant.
Genome position (GRCh38, 1-based): chr19:7,125,314, G>A on the plus strand (C>T on the coding strand, the complement: INSR is on the minus strand). VCF-style: chr19-7125314-G-A. GRCh37 (hg19) VCF-style: chr19-7125325-G-A.
Other names: c.3191C>T, p.Ser1064Leu (NM_001079817.3); short protein forms S1064L, S1076L.
Identifiers: ClinVar variation 4883622 (VCV004883622.2).